The following is an entry in ClinVar:

NM_001377.3(DYNC2H1):c.12765+173A>G

Gene: DYNC2H1 (dynein cytoplasmic 2 heavy chain 1; plus strand). Cytogenetic location: 11q22.3.
Variant type: single nucleotide variant.
Coding change: c.12765+173A>G on transcript NM_001377.3 (MANE Select); 173 bases into the intron after coding-DNA position 12765, A replaced by G.
Molecular consequence: intron variant.
Genome position (GRCh38, 1-based): chr11:103,468,878, A>G. VCF-style: chr11-103468878-A-G. GRCh37 (hg19) VCF-style: chr11-103339606-A-G.
Other names: c.12786+173A>G (NM_001080463.2).
Identifiers: ClinVar variation 673035 (VCV000673035.1), dbSNP rs77310304, ClinGen allele CA227465302.

ClinVar aggregate classification (germline): Benign (1 of 4 stars; one submission).

Allele frequency attached by ClinVar (database versions not stated): 1000 Genomes Project 0.01797; 1000 Genomes Project 30x 0.01827; gnomAD 0.02313 and 0.02443; TOPMed 0.02554.
gnomAD v4.1: 3,494 of 152,332 alleles (2.3%); highest among the groups gnomAD compares: African/African-American, 5.5%; 82 homozygotes.

Submission:

GeneDx
Classification: Benign. Last evaluated: 2018-06-14. Review status: criteria provided, single submitter. Criteria: GeneDx Variant Classification (06012015). Collection method: clinical testing. Allele origin: germline. Affected: yes.
Comment: This variant is considered likely benign or benign based on one or more of the following criteria: it is a conservative change, it occurs at a poorly conserved position in the protein, it is predicted to be benign by multiple in silico algorithms, and/or has population frequency not consistent with disease.